The following is an entry in ClinVar:

NM_014271.4(IL1RAPL1):c.82+2T>C

Gene: IL1RAPL1 (interleukin 1 receptor accessory protein like 1; plus strand). Cytogenetic location: Xp21.3.
Variant type: single nucleotide variant.
Coding change: c.82+2T>C on transcript NM_014271.4 (MANE Select); the canonical splice donor site of the intron after coding-DNA position 82, T replaced by C.
Molecular consequence: splice donor variant.
Genome position (GRCh38, 1-based): chrX:28,789,427, T>C. VCF-style: chrX-28789427-T-C. GRCh37 (hg19) VCF-style: chrX-28807544-T-C.
Identifiers: ClinVar variation 3251939 (VCV003251939.1), dbSNP rs2518875196.
Genomic context (GRCh38, chrX:28,789,427, plus strand): 5'-GATTCTCTTATACGCTACTTTTACTCAGAGTTTGAAGGTTGTGACCAAAAGAGGCTCCGG[T>C]AAGCAGTATTCCTCTATTTTTTATGTGTTTTTATAGCTTAAAGTGATAGTGCTACATCTA-3'

ClinVar aggregate classification (germline): Likely pathogenic (1 of 4 stars; one submission).

Conditions:
Intellectual developmental disorder, X-linked 21. Also called: MENTAL RETARDATION, X-LINKED 34; Mental retardation, X-linked 21/34; Intellectual disability, X-linked 21. Identifiers: Orphanet 777, MedGen C5551510, MONDO:0010256, OMIM 300143.

Submission:

Institute of Immunology and Genetics Kaiserslautern
Classification: Likely pathogenic for Intellectual developmental disorder, X-linked 21. Last evaluated: 2024-06-13. Review status: criteria provided, single submitter. Criteria: ACMG Guidelines, 2015. Collection method: clinical testing. Allele origin: maternal. Affected: yes.
Comment: ACMG Criteria: PVS1, PM2; Variant was found in hemizygous state